The following is an entry in ClinVar:

ClinVar aggregate classification (germline): Uncertain significance (1 of 4 stars; one submission).

Conditions:
Hereditary cancer-predisposing syndrome. Also called: Hereditary Cancer Syndrome; Hereditary neoplastic syndrome; Neoplastic Syndromes, Hereditary; Tumor predisposition. Identifiers: Orphanet 140162, MedGen C0027672, MeSH D009386, MONDO:0015356.

Submission:

Ambry Genetics
Classification: Uncertain significance for Hereditary cancer-predisposing syndrome. Last evaluated: 2025-09-13. Review status: criteria provided, single submitter. Criteria: Ambry Variant Classification Scheme 2023. Collection method: clinical testing. Allele origin: germline.
Comment: The p.L1080V variant (also known as c.3238C>G), located in coding exon 20 of the ALK gene, results from a C to G substitution at nucleotide position 3238. The leucine at codon 1080 is replaced by valine, an amino acid with highly similar properties. This amino acid position is conserved. In addition, the in silico prediction for this alteration is inconclusive. Based on the available evidence, the clinical significance of this variant remains unclear.

NM_004304.5(ALK):c.3238C>G (p.Leu1080Val)

Gene: ALK (ALK receptor tyrosine kinase; minus strand). Cytogenetic location: 2p23.2.
Variant type: single nucleotide variant.
Coding change: c.3238C>G on transcript NM_004304.5 (MANE Select); coding-DNA position 3238, C replaced by G.
Protein change: p.Leu1080Val; replaces leucine 1080 with valine.
Molecular consequence: missense variant.
Genome position (GRCh38, 1-based): chr2:29,223,463, G>C on the plus strand (C>G on the coding strand, the complement: ALK is on the minus strand). VCF-style: chr2-29223463-G-C. GRCh37 (hg19) VCF-style: chr2-29446329-G-C.
Other names: c.34C>G, p.Leu12Val (NM_001353765.2); short protein forms L1080V, L12V.
Identifiers: ClinVar variation 4273311 (VCV004273311.1).